The following is an entry in ClinVar:

NM_000548.5(TSC2):c.5172G>A (p.Gln1724=)

Gene: TSC2 (TSC complex subunit 2; plus strand). Cytogenetic location: 16p13.3.
Variant type: single nucleotide variant.
Coding change: c.5172G>A on transcript NM_000548.5 (MANE Select); coding-DNA position 5172, G replaced by A.
Protein change: p.Gln1724=; no amino-acid change (glutamine 1724 retained).
Molecular consequence: synonymous variant. On other transcripts: non-coding transcript variant (5), splice acceptor variant (1).
Genome position (GRCh38, 1-based): chr16:2,088,238, G>A. VCF-style: chr16-2088238-G-A. GRCh37 (hg19) VCF-style: chr16-2138239-G-A.
Other names: p.Gln1724=; c.4971G>A, p.Gln1657= (NM_001077183.3); c.5103G>A, p.Gln1701= (NM_001114382.3); c.4863G>A, p.Gln1621= (NM_001318827.2); c.4827G>A, p.Gln1609= (NM_001318829.2); c.4440G>A, p.Gln1480= (NM_001318831.2); c.5004G>A, p.Gln1668= (NM_001318832.2); c.4974G>A, p.Gln1658= (NM_001363528.2); and 28 more.
Identifiers: ClinVar variation 2449984 (VCV002449984.6), dbSNP rs774044431, ClinGen allele CA054320.

ClinVar aggregate classification (germline): Benign/Likely benign. Review status: criteria provided, multiple submitters, no conflicts (2 of 4 stars). 3 submissions from 3 submitters: Benign (1); Likely benign (2). Last evaluated 2025-08-24.

Conditions:
Tuberous sclerosis 2 (TSC2). Identifiers: Orphanet 805, MedGen C1860707, MONDO:0013199, OMIM 613254.
Hereditary cancer-predisposing syndrome. Also called: Hereditary neoplastic syndrome; Tumor predisposition; Neoplastic Syndromes, Hereditary; Hereditary Cancer Syndrome. Identifiers: Orphanet 140162, MedGen C0027672, MeSH D009386, MONDO:0015356.

Allele frequency attached by ClinVar (database versions not stated): ExAC 0.00001.

Submissions (3):

Labcorp Genetics (formerly Invitae), Labcorp
Classification: Benign for Tuberous sclerosis 2. Last evaluated: 2025-08-24. Review status: criteria provided, single submitter. Criteria: Invitae Variant Classification Sherloc (09022015). Collection method: clinical testing. Allele origin: germline.

Mayo Clinic Laboratories, Mayo Clinic
Classification: Likely benign. Last evaluated: 2025-03-18. Review status: criteria provided, single submitter. Criteria: ACMG Guidelines, 2015. Collection method: clinical testing. Allele origin: germline. Observed: 2 variant alleles.
Comment: BP4, BP7

Ambry Genetics
Classification: Likely benign for Hereditary cancer-predisposing syndrome. Last evaluated: 2023-01-21. Review status: criteria provided, single submitter. Criteria: Ambry Variant Classification Scheme 2023. Collection method: clinical testing. Allele origin: germline.